The following is an entry in ClinVar:

NM_152393.4(KLHL40):c.602G>A (p.Trp201Ter)

Gene: KLHL40 (kelch like family member 40; plus strand). Cytogenetic location: 3p22.1.
Variant type: single nucleotide variant.
Coding change: c.602G>A on transcript NM_152393.4 (MANE Select); coding-DNA position 602, G replaced by A.
Protein change: p.Trp201Ter; replaces tryptophan 201 with a stop codon.
Molecular consequence: nonsense.
Genome position (GRCh38, 1-based): chr3:42,686,220, G>A. VCF-style: chr3-42686220-G-A. GRCh37 (hg19) VCF-style: chr3-42727712-G-A.
Other names: short protein forms W201*.
Identifiers: ClinVar variation 60516 (VCV000060516.19), dbSNP rs397509420, ClinGen allele CA214763.

ClinVar aggregate classification (germline): Pathogenic. Review status: criteria provided, multiple submitters, no conflicts (2 of 4 stars). 7 submissions from 7 submitters: Pathogenic (5). 2 of the submissions do not count toward it. Last evaluated 2025-02-10.

Conditions:
KLHL40-related disorder. Also called: KLHL40-related condition.
KLHL40-related disorders.
Nemaline myopathy 8 (NEM8). Also called: Nemaline myopathy 8, autosomal recessive. Identifiers: Orphanet 171430, MedGen C3809209, MONDO:0014138, OMIM 615348.

Allele frequency attached by ClinVar (database versions not stated): gnomAD exomes 0.00002 and 0.00006; gnomAD 0.00003; TOPMed 0.00003; ExAC 0.00008.

Submissions (7):

Labcorp Genetics (formerly Invitae), Labcorp
Classification: Pathogenic for Nemaline myopathy 8. Last evaluated: 2025-02-10. Review status: criteria provided, single submitter. Criteria: Invitae Variant Classification Sherloc (09022015). Collection method: clinical testing. Allele origin: germline.
Comment: This sequence change creates a premature translational stop signal (p.Trp201*) in the KLHL40 gene. It is expected to result in an absent or disrupted protein product. Loss-of-function variants in KLHL40 are known to be pathogenic (PMID: 23746549). This variant is present in population databases (rs397509420, gnomAD 0.02%). This premature translational stop signal has been observed in individual(s) with severe congenital myopathy and fetal akinesia deformation sequence (PMID: 23746549, 27762439). ClinVar contains an entry for this variant (Variation ID: 60516). For these reasons, this variant has been classified as Pathogenic.

Blueprint Genetics
Classification: Pathogenic for KLHL40-related disorders. Last evaluated: 2024-11-06. Review status: criteria provided, single submitter. Criteria: ACMG Guidelines, 2015. Collection method: clinical testing. Allele origin: germline. Affected: yes. Observed: 3 variant alleles.

GeneDx
Classification: Pathogenic. Last evaluated: 2023-08-04. Review status: criteria provided, single submitter. Criteria: GeneDx Variant Classification Process June 2021. Collection method: clinical testing. Allele origin: germline. Affected: yes.
Comment: Nonsense variant predicted to result in protein truncation or nonsense mediated decay in a gene for which loss of function is a known mechanism of disease; This variant is associated with the following publications: (PMID: 27762439, 33060286, 35379254, 31908664, 23746549)

Department of Pathology and Laboratory Medicine, Sinai Health System
Classification: Pathogenic for Nemaline myopathy 8. Last evaluated: 2023-05-08. Review status: criteria provided, single submitter. Criteria: ACMG Guidelines, 2015. Collection method: research. Allele origin: germline.

Institute for Clinical Genetics, University Hospital TU Dresden, University Hospital TU Dresden
Classification: Pathogenic. Last evaluated: 2021-11-03. Review status: criteria provided, single submitter. Criteria: ACMG Guidelines, 2015. Collection method: clinical testing. Allele origin: germline.

PreventionGenetics, part of Exact Sciences
Classification: Pathogenic for KLHL40-related condition. Last evaluated: 2024-06-26. Review status: no assertion criteria provided. Collection method: clinical testing. Allele origin: germline. Not counted in ClinVar's aggregate classification.
Comment: The KLHL40 c.602G>A variant is predicted to result in premature protein termination (p.Trp201*). This variant has been reported, in the homozygous or heterozygous state, in at least two cases of severe nemaline myopathy or fetal akinesia deformation sequence (Family 7 in Ravenscroft et al. 2013. PubMed ID: 23746549; Chen et al. 2016. PubMed ID: 27762439). This variant is reported in 0.016% of alleles in individuals of South Asian descent in gnomAD. Nonsense variants in KLHL40 are expected to be pathogenic. This variant is interpreted as pathogenic.

OMIM
Classification: Pathogenic for NEMALINE MYOPATHY 8. Last evaluated: 2013-07-11. Review status: no assertion criteria provided. Collection method: literature only. Allele origin: germline. Not counted in ClinVar's aggregate classification.

Literature cited by the submitters: PubMed 23746549 (cited by Labcorp Genetics (formerly Invitae), Labcorp and OMIM); PubMed 27762439 (cited by Labcorp Genetics (formerly Invitae), Labcorp).